The following is an entry in ClinVar:

NC_000016.9:g.(?_89862304)_(89869759_?)del

Gene: FANCA (FA complementation group A; minus strand). Cytogenetic location: 16q24.3.
Variant type: Deletion.
Identifiers: ClinVar variation 2422417 (VCV002422417.4).

ClinVar aggregate classification (germline): Pathogenic (1 of 4 stars; one submission).

Conditions:
Fanconi anemia (FA). Also called: Fanconi's anemia. Identifiers: Orphanet 84, MedGen C0015625, MeSH D005199, MONDO:0019391.

Submission:

Labcorp Genetics (formerly Invitae), Labcorp
Classification: Pathogenic for Fanconi anemia. Last evaluated: 2022-03-26. Review status: criteria provided, single submitter. Criteria: Invitae Variant Classification Sherloc (09022015). Collection method: clinical testing. Allele origin: germline.
Comment: This variant is a gross deletion of the genomic region encompassing exon(s) 8-11 of the FANCA gene. This variant would be expected to be in-frame, preserving the integrity of the reading frame. This variant has not been reported in the literature in individuals affected with FANCA-related conditions. This variant disrupts a region of the FANCA protein in which other variant(s) (p.Leu324Arg) have been determined to be pathogenic (PMID: 12697994; Invitae). This suggests that this is a clinically significant region of the protein, and that variants that disrupt it are likely to be disease-causing. For these reasons, this variant has been classified as Pathogenic.

Literature cited by the submitters: PubMed 12697994.